The following is an entry in ClinVar:

NM_002458.3(MUC5B):c.12754G>A (p.Glu4252Lys)

Genes: MUC5B (mucin 5B, oligomeric mucus/gel-forming; plus strand), MUC5B-AS1 (MUC5B antisense RNA 1; minus strand). Cytogenetic location: 11p15.5.
Variant type: single nucleotide variant.
Coding change: c.12754G>A on transcript NM_002458.3 (MANE Select); coding-DNA position 12754, G replaced by A.
Protein change: p.Glu4252Lys; replaces glutamic acid 4252 with lysine.
Molecular consequence: missense variant. On other transcripts: non-coding transcript variant (1).
Genome position (GRCh38, 1-based): chr11:1,249,634, G>A. VCF-style: chr11-1249634-G-A. GRCh37 (hg19) VCF-style: chr11-1270864-G-A.
Other names: short protein forms E4252K.
Identifiers: ClinVar variation 2219880 (VCV002219880.26), dbSNP rs200110733, ClinGen allele CA5808083.

ClinVar aggregate classification (germline): Conflicting classifications of pathogenicity. Review status: criteria provided, conflicting classifications (1 of 4 stars). 2 submissions from 2 submitters: Uncertain significance (1); Likely benign (1). Last evaluated 2023-09-01.

Allele frequency attached by ClinVar (database versions not stated): ExAC 0.00003; gnomAD 0.00023; 1000 Genomes Project 30x 0.00125.
gnomAD v4.1: 209 of 1,611,334 alleles (0.013%); highest among the groups gnomAD compares: Admixed American, 0.11%; 2 homozygotes.

Submissions (2):

CeGaT Center for Human Genetics Tuebingen
Classification: Likely benign. Last evaluated: 2023-09-01. Review status: criteria provided, single submitter. Criteria: CeGaT Center For Human Genetics Tuebingen Variant Classification Criteria Version 2. Collection method: clinical testing. Allele origin: germline. Affected: yes. Observed: 1 variant allele.
Comment: MUC5B: BP4, BS2

Ambry Genetics
Classification: Uncertain significance. Last evaluated: 2021-09-21. Review status: criteria provided, single submitter. Criteria: Ambry Variant Classification Scheme 2023. Collection method: clinical testing. Allele origin: germline.